The following is an entry in ClinVar:

NM_021815.5(SLC5A7):c.1040C>G (p.Ser347Ter)

Gene: SLC5A7 (solute carrier family 5 member 7; plus strand). Cytogenetic location: 2q12.3.
Variant type: single nucleotide variant.
Coding change: c.1040C>G on transcript NM_021815.5 (MANE Select); coding-DNA position 1040, C replaced by G.
Protein change: p.Ser347Ter; replaces serine 347 with a stop codon.
Molecular consequence: nonsense.
Genome position (GRCh38, 1-based): chr2:108,008,609, C>G. VCF-style: chr2-108008609-C-G. GRCh37 (hg19) VCF-style: chr2-108625065-C-G.
Other names: p.Ser347*; c.1040C>G, p.Ser347Ter (NM_001305005.3); c.725C>G, p.Ser242Ter (NM_001305006.3); c.299C>G, p.Ser100Ter (NM_001305007.3); short protein forms S100*, S242*, S347*.
Identifiers: ClinVar variation 3380829 (VCV003380829.1).

ClinVar aggregate classification (germline): Uncertain significance (1 of 4 stars; one submission).

Submission:

Mayo Clinic Laboratories, Mayo Clinic
Classification: Uncertain significance. Last evaluated: 2024-03-22. Review status: criteria provided, single submitter. Criteria: ACMG Guidelines, 2015. Collection method: clinical testing. Allele origin: germline. Observed: 1 variant allele.
Comment: PM2